The following is an entry in ClinVar:

NM_015450.3(POT1):c.-39-210T>G

Gene: POT1 (protection of telomeres 1; minus strand). Cytogenetic location: 7q31.33.
Variant type: single nucleotide variant.
Coding change: c.-39-210T>G on transcript NM_015450.3 (MANE Select); 210 bases into the intron before 39 bases upstream of the start codon, T replaced by G.
Molecular consequence: intron variant.
Genome position (GRCh38, 1-based): chr7:124,897,422, A>C on the plus strand (T>G on the coding strand, the complement: POT1 is on the minus strand). VCF-style: chr7-124897422-A-C. GRCh37 (hg19) VCF-style: chr7-124537476-A-C.
Other names: c.-301-210T>G (NM_001042594.2).
Identifiers: ClinVar variation 677018 (VCV000677018.1), dbSNP rs67585224, ClinGen allele CA166098651.

ClinVar aggregate classification (germline): Benign (1 of 4 stars; one submission).

Allele frequency attached by ClinVar (database versions not stated): 1000 Genomes Project 30x 0.17536; 1000 Genomes Project 0.18091; TOPMed 0.19713; gnomAD 0.19931.
gnomAD v4.1: 30,688 of 151,818 alleles (20%); highest among the groups gnomAD compares: East Asian, 30%; 3,773 homozygotes.

Submission:

GeneDx
Classification: Benign. Last evaluated: 2018-06-15. Review status: criteria provided, single submitter. Criteria: GeneDx Variant Classification (06012015). Collection method: clinical testing. Allele origin: germline. Affected: yes.
Comment: This variant is considered likely benign or benign based on one or more of the following criteria: it is a conservative change, it occurs at a poorly conserved position in the protein, it is predicted to be benign by multiple in silico algorithms, and/or has population frequency not consistent with disease.